The following is an entry in ClinVar:

NM_003793.4(CTSF):c.693T>A (p.Tyr231Ter)

Gene: CTSF (cathepsin F; minus strand). Cytogenetic location: 11q13.2.
Variant type: single nucleotide variant.
Coding change: c.693T>A on transcript NM_003793.4 (MANE Select); coding-DNA position 693, T replaced by A.
Protein change: p.Tyr231Ter; replaces tyrosine 231 with a stop codon.
Molecular consequence: nonsense.
Genome position (GRCh38, 1-based): chr11:66,566,319, A>T on the plus strand (T>A on the coding strand, the complement: CTSF is on the minus strand). VCF-style: chr11-66566319-A-T. GRCh37 (hg19) VCF-style: chr11-66333790-A-T.
Other names: short protein forms Y231*.
Identifiers: ClinVar variation 2631005 (VCV002631005.2), dbSNP rs929020615, ClinGen allele CA381463146.

ClinVar aggregate classification (germline): Likely pathogenic (1 of 4 stars; one submission).

Conditions:
CTSF-related disorder. Also called: CTSF-related condition.

Allele frequency attached by ClinVar (database versions not stated): TOPMed below 0.00001; gnomAD 0.00001.
gnomAD v4.1: 10 of 1,614,072 alleles (0.00062%); highest among the groups gnomAD compares: Non-Finnish European, 0.00085%; no homozygotes.

Submission:

PreventionGenetics, part of Exact Sciences
Classification: Likely pathogenic for CTSF-related condition. Last evaluated: 2025-04-10. Review status: criteria provided, single submitter. Criteria: ACMG Guidelines, 2015. Collection method: clinical testing. Allele origin: germline.
Comment: The CTSF c.693T>A variant is predicted to result in premature protein termination (p.Tyr231*). To our knowledge, this variant has not been reported in the literature. This variant is reported in 0.00088% of alleles in individuals of European (Non-Finnish) descent in gnomAD. Nonsense variants in CTSF are expected to be pathogenic. This variant is interpreted as likely pathogenic.